The following is an entry in ClinVar:

ClinVar aggregate classification (germline): Benign/Likely benign. Review status: criteria provided, multiple submitters, no conflicts (2 of 4 stars). 6 submissions from 6 submitters: Benign (3); Likely benign (1). 2 of the submissions do not count toward it. Last evaluated 2026-03-01.

Conditions:
Bone fragility with contractures, arterial rupture, and deafness. Also called: LH3 DEFICIENCY; LYSYL HYDROXYLASE 3 DEFICIENCY; BCARD SYNDROME; BONE ABNORMALITIES, CATARACT, ARTERIAL RUPTURE, AND DEAFNESS. Identifiers: Orphanet 300284, MedGen C2676285, MONDO:0012892, OMIM 612394.

Allele frequency attached by ClinVar (database versions not stated): 1000 Genomes Project 0.00160; 1000 Genomes Project 30x 0.00187; TOPMed 0.00233; ESP Exome Variant Server 0.00384; gnomAD 0.00393.

Submissions (6):

CeGaT Center for Human Genetics Tuebingen
Classification: Likely benign. Last evaluated: 2026-03-01. Review status: criteria provided, single submitter. Criteria: CeGaT Center For Human Genetics Tuebingen Variant Classification Criteria Version 2. Collection method: clinical testing. Allele origin: germline. Affected: yes. Observed: 2 variant alleles.
Comment: PLOD3: BP4, BP7, BS2

Labcorp Genetics (formerly Invitae), Labcorp
Classification: Benign. Last evaluated: 2026-02-02. Review status: criteria provided, single submitter. Criteria: Invitae Variant Classification Sherloc (09022015). Collection method: clinical testing. Allele origin: germline.

ARUP Laboratories, Molecular Genetics and Genomics, ARUP Laboratories
Classification: Benign for Bone fragility with contractures, arterial rupture, and deafness. Last evaluated: 2023-10-19. Review status: criteria provided, single submitter. Criteria: ARUP Molecular Germline Variant Investigation Process 2024. Collection method: clinical testing. Allele origin: germline.

Breakthrough Genomics
Classification: Benign. Review status: criteria provided, single submitter. Criteria: ACMG Guidelines, 2015. Collection method: not provided. Allele origin: germline. Inheritance: Autosomal recessive inheritance. Affected: yes.

Clinical Genetics DNA and cytogenetics Diagnostics Lab, Erasmus MC, Erasmus Medical Center
Classification: Likely benign. Review status: no assertion criteria provided. Collection method: clinical testing. Allele origin: germline. Affected: yes. Study: VKGL Data-share Consensus. Not counted in ClinVar's aggregate classification.

Genome Diagnostics Laboratory, Amsterdam University Medical Center
Classification: Likely benign. Review status: no assertion criteria provided. Collection method: clinical testing. Allele origin: germline. Affected: yes. Study: VKGL Data-share Consensus. Not counted in ClinVar's aggregate classification.

NM_001084.5(PLOD3):c.1797G>A (p.Arg599=)

Gene: PLOD3 (procollagen-lysine,2-oxoglutarate 5-dioxygenase 3; minus strand). Cytogenetic location: 7q22.1.
Variant type: single nucleotide variant.
Coding change: c.1797G>A on transcript NM_001084.5 (MANE Select); coding-DNA position 1797, G replaced by A.
Protein change: p.Arg599=; no amino-acid change (arginine 599 retained).
Molecular consequence: synonymous variant.
Genome position (GRCh38, 1-based): chr7:101,207,716, C>T on the plus strand (G>A on the coding strand, the complement: PLOD3 is on the minus strand). VCF-style: chr7-101207716-C-T. GRCh37 (hg19) VCF-style: chr7-100850997-C-T.
Identifiers: ClinVar variation 771160 (VCV000771160.44), dbSNP rs139049819, ClinGen allele CA4407505.